The following is an entry in ClinVar:

NM_017637.6(BNC2):c.1261A>G (p.Lys421Glu)

Gene: BNC2 (basonuclin zinc finger protein 2; minus strand). Cytogenetic location: 9p22.3.
Variant type: single nucleotide variant.
Coding change: c.1261A>G on transcript NM_017637.6 (MANE Select); coding-DNA position 1261, A replaced by G.
Protein change: p.Lys421Glu; replaces lysine 421 with glutamic acid.
Molecular consequence: missense variant.
Genome position (GRCh38, 1-based): chr9:16,436,933, T>C on the plus strand (A>G on the coding strand, the complement: BNC2 is on the minus strand). VCF-style: chr9-16436933-T-C. GRCh37 (hg19) VCF-style: chr9-16436931-T-C.
Other names: c.1135A>G, p.Lys379Glu (NM_001317939.2); c.976A>G, p.Lys326Glu (NM_001317940.2); short protein forms K421E, K326E, K379E.
Identifiers: ClinVar variation 3640725 (VCV003640725.2).

ClinVar aggregate classification (germline): Uncertain significance (1 of 4 stars; one submission).

gnomAD v4.1: 4 of 1,614,144 alleles (0.00025%); highest among the groups gnomAD compares: Admixed American, 0.0017%; no homozygotes.

Submission:

Labcorp Genetics (formerly Invitae), Labcorp
Classification: Uncertain significance. Last evaluated: 2025-08-18. Review status: criteria provided, single submitter. Criteria: Invitae Variant Classification Sherloc (09022015). Collection method: clinical testing. Allele origin: germline.
Comment: This sequence change replaces lysine, which is basic and polar, with glutamic acid, which is acidic and polar, at codon 421 of the BNC2 protein (p.Lys421Glu). This variant is present in population databases (rs772258371, gnomAD 0.0009%). This variant has not been reported in the literature in individuals affected with BNC2-related conditions. ClinVar contains an entry for this variant (Variation ID: 3640725). An algorithm developed to predict the effect of missense changes on protein structure and function (PolyPhen-2) suggests that this variant is likely to be tolerated. In summary, the available evidence is currently insufficient to determine the role of this variant in disease. Therefore, it has been classified as a Variant of Uncertain Significance.